The following is an entry in ClinVar:

ClinVar aggregate classification (germline): Likely benign (1 of 4 stars; one submission).

Allele frequency attached by ClinVar (database versions not stated): 1000 Genomes Project 0.00040; 1000 Genomes Project 30x 0.00062; ESP Exome Variant Server 0.00192.
gnomAD v4.1: 2,517 of 1,608,436 alleles (0.16%); highest among the groups gnomAD compares: Non-Finnish European, 0.19%; 4 homozygotes.

Submission:

CeGaT Center for Human Genetics Tuebingen
Classification: Likely benign. Last evaluated: 2022-09-01. Review status: criteria provided, single submitter. Criteria: CeGaT Center For Human Genetics Tuebingen Variant Classification Criteria Version 2. Collection method: clinical testing. Allele origin: germline. Affected: yes. Observed: 1 variant allele.
Comment: MUC17: BP4, BP7

NM_001040105.2(MUC17):c.5442T>C (p.Pro1814=)

Gene: MUC17 (mucin 17, cell surface associated; plus strand). Cytogenetic location: 7q22.1.
Variant type: single nucleotide variant.
Coding change: c.5442T>C on transcript NM_001040105.2 (MANE Select); coding-DNA position 5442, T replaced by C.
Protein change: p.Pro1814=; no amino-acid change (proline 1814 retained).
Molecular consequence: synonymous variant. On other transcripts: non-coding transcript variant (1).
Genome position (GRCh38, 1-based): chr7:101,036,858, T>C. VCF-style: chr7-101036858-T-C. GRCh37 (hg19) VCF-style: chr7-100680139-T-C.
Identifiers: ClinVar variation 2657841 (VCV002657841.24), dbSNP rs138130130, ClinGen allele CA4402468.